The following is an entry in ClinVar:

NM_005422.4(TECTA):c.6043G>C (p.Ala2015Pro)

Genes: TBCEL-TECTA (TBCEL-TECTA readthrough; plus strand), TECTA (tectorin alpha; plus strand). Cytogenetic location: 11q23.3.
Variant type: single nucleotide variant.
Coding change: c.6043G>C on transcript NM_005422.4 (MANE Select); coding-DNA position 6043, G replaced by C.
Protein change: p.Ala2015Pro; replaces alanine 2015 with proline.
Molecular consequence: missense variant.
Genome position (GRCh38, 1-based): chr11:121,187,875, G>C. VCF-style: chr11-121187875-G-C. GRCh37 (hg19) VCF-style: chr11-121058584-G-C.
Other names: c.6985G>C, p.Ala2329Pro (NM_001378761.1); short protein forms A2015P, A2329P.
Identifiers: ClinVar variation 2697410 (VCV002697410.3), dbSNP rs2497021455, ClinGen allele CA383009621.
Genomic context (GRCh38, chr11:121,187,875, plus strand): 5'-TTATTTTTTCTGAATAGGTGTCAGAACCTCAAAGATAACACCATTGGCATCGAGGAGAAT[G>C]CAGTCTCCCTGACCTGTCGCTTTCACGTCACCGTCTTTAAATTCATAGGGGATTACGACG-3'
Protein context (NP_005413.2, residues 2005-2025): KDNTIGIEEN[Ala2015Pro]VSLTCRFHVT

ClinVar aggregate classification (germline): Uncertain significance (1 of 4 stars; one submission).

Submission:

Labcorp Genetics (formerly Invitae), Labcorp
Classification: Uncertain significance. Last evaluated: 2023-11-19. Review status: criteria provided, single submitter. Criteria: Invitae Variant Classification Sherloc (09022015). Collection method: clinical testing. Allele origin: germline.
Comment: This sequence change replaces alanine, which is neutral and non-polar, with proline, which is neutral and non-polar, at codon 2015 of the TECTA protein (p.Ala2015Pro). This variant is not present in population databases (gnomAD no frequency). This variant has not been reported in the literature in individuals affected with TECTA-related conditions. Advanced modeling of protein sequence and biophysical properties (such as structural, functional, and spatial information, amino acid conservation, physicochemical variation, residue mobility, and thermodynamic stability) performed at Invitae indicates that this missense variant is not expected to disrupt TECTA protein function with a negative predictive value of 95%. In summary, the available evidence is currently insufficient to determine the role of this variant in disease. Therefore, it has been classified as a Variant of Uncertain Significance.